The following is an entry in ClinVar:

ClinVar aggregate classification (germline): Uncertain significance. Review status: criteria provided, multiple submitters, no conflicts (2 of 4 stars). 2 submissions from 2 submitters: Uncertain significance (2). Last evaluated 2024-03-24.

Conditions:
Familial thoracic aortic aneurysm and aortic dissection (TAAD). Also called: Thoracic aortic aneurysms and dissections. Identifiers: Orphanet 91387, MedGen C4707243, MONDO:0019625.
Ehlers-Danlos syndrome, type 4 (EDSVASC). Also called: Ehlers-Danlos syndrome vascular type; Ehlers Danlos syndrome, ecchymotic type; Ehlers Danlos syndrome, arterial type; Ehlers Danlos syndrome, Sack-Barabas type; Ehlers-Danlos Syndrome Type IV. Identifiers: Orphanet 286, MedGen C0268338, MONDO:0017314, OMIM 130050.

gnomAD v4.1: 6 of 1,613,718 alleles (0.00037%); highest among the groups gnomAD compares: African/African-American, 0.0027%; no homozygotes.

Submissions (2):

All of Us Research Program, National Institutes of Health
Classification: Uncertain significance for Ehlers-Danlos syndrome, type 4. Last evaluated: 2024-03-24. Review status: criteria provided, single submitter. Criteria: ACMG Guidelines, 2015. Collection method: clinical testing. Allele origin: germline. Inheritance: Autosomal dominant inheritance. Observed: 1 variant allele, 1 heterozygote.
Comment: This missense variant replaces arginine with glutamine at codon 572 of the COL3A1 protein. Computational prediction is inconclusive regarding the impact of this variant on protein structure and function (internally defined REVEL score threshold 0.5 < inconclusive < 0.7, PMID: 27666373). To our knowledge, functional studies have not been reported for this variant. This variant has not been reported in individuals affected with COL3A1-related disorders in the literature. This variant has been identified in 2/282656 chromosomes in the general population by the Genome Aggregation Database (gnomAD). The available evidence is insufficient to determine the role of this variant in disease conclusively. Therefore, this variant is classified as a Variant of Uncertain Significance.

This study involves interpretation of variants in research participants for the purpose of population health screening. Participant phenotype was not available at the time of variant classification. Additional details can be found in publication PMID: 35346344, PMCID: PMC8962531

Color Diagnostics, LLC DBA Color Health
Classification: Uncertain significance for Familial thoracic aortic aneurysm and aortic dissection. Last evaluated: 2024-03-06. Review status: criteria provided, single submitter. Criteria: ACMG Guidelines, 2015. Collection method: clinical testing. Allele origin: germline.
Comment: This missense variant replaces arginine with glutamine at codon 572 of the COL3A1 protein. Computational prediction is inconclusive regarding the impact of this variant on protein structure and function. To our knowledge, functional studies have not been reported for this variant. This variant has not been reported in individuals affected with COL3A1-related disorders in the literature. This variant has been identified in 2/282656 chromosomes in the general population by the Genome Aggregation Database (gnomAD). The available evidence is insufficient to determine the role of this variant in disease conclusively. Therefore, this variant is classified as a Variant of Uncertain Significance.

NM_000090.4(COL3A1):c.1715G>A (p.Arg572Gln)

Gene: COL3A1 (collagen type III alpha 1 chain; plus strand). Cytogenetic location: 2q32.2.
Variant type: single nucleotide variant.
Coding change: c.1715G>A on transcript NM_000090.4 (MANE Select); coding-DNA position 1715, G replaced by A.
Protein change: p.Arg572Gln; replaces arginine 572 with glutamine.
Molecular consequence: missense variant.
Genome position (GRCh38, 1-based): chr2:188,996,450, G>A. VCF-style: chr2-188996450-G-A. GRCh37 (hg19) VCF-style: chr2-189861176-G-A.
Other names: short protein forms R572Q.
Identifiers: ClinVar variation 3386454 (VCV003386454.2).